The following is an entry in ClinVar:

ClinVar aggregate classification (germline): Uncertain significance. Review status: criteria provided, multiple submitters, no conflicts (2 of 4 stars). 2 submissions from 2 submitters: Uncertain significance (2). Last evaluated 2022-04-15.

Conditions:
Imerslund-Grasbeck syndrome. Also called: ENTEROCYTE COBALAMIN MALABSORPTION; ENTEROCYTE INTRINSIC FACTOR RECEPTOR, DEFECT OF; Imerslund-Gräsbeck syndrome; Megaloblastic anemia due to inborn errors of metabolism; PERNICIOUS ANEMIA, JUVENILE, DUE TO SELECTIVE INTESTINAL MALABSORPTION OF VITAMIN B12, WITH PROTEINURIA. Identifiers: Orphanet 35858, MedGen C4551825, MONDO:0009853.
Proteinuria, chronic benign. Identifiers: MedGen C5394384, MONDO:0030042, OMIM 618884.
Imerslund-Grasbeck syndrome type 1 (IGS1). Also called: Megaloblastic anemia 1, Finnish type; Imerslund-Gräsbeck syndrome 1; MEGALOBLASTIC ANEMIA, 1. Identifiers: MedGen C4016819, MONDO:0100156, OMIM 261100.

Allele frequency attached by ClinVar (database versions not stated): gnomAD 0.00003 and 0.00001; 1000 Genomes Project 30x 0.00031; 1000 Genomes Project 0.00040; gnomAD exomes 0.00002; TOPMed below 0.00001; ExAC 0.00002.
gnomAD v4.1: 8 of 1,614,024 alleles (0.0005%); highest among the groups gnomAD compares: Middle Eastern, 0.016%; no homozygotes.

Submissions (2):

Fulgent Genetics
Classification: Uncertain significance for Imerslund-Grasbeck syndrome type 1; Proteinuria, chronic benign. Last evaluated: 2022-04-15. Review status: criteria provided, single submitter. Criteria: ACMG Guidelines, 2015. Collection method: clinical testing. Allele origin: unknown.

Labcorp Genetics (formerly Invitae), Labcorp
Classification: Uncertain significance for Imerslund-Grasbeck syndrome. Last evaluated: 2022-04-01. Review status: criteria provided, single submitter. Criteria: Invitae Variant Classification Sherloc (09022015). Collection method: clinical testing. Allele origin: germline.
Comment: This sequence change replaces isoleucine, which is neutral and non-polar, with valine, which is neutral and non-polar, at codon 2460 of the CUBN protein (p.Ile2460Val). This variant is present in population databases (rs565917798, gnomAD 0.009%). This variant has not been reported in the literature in individuals affected with CUBN-related conditions. ClinVar contains an entry for this variant (Variation ID: 947587). Algorithms developed to predict the effect of missense changes on protein structure and function (SIFT, PolyPhen-2, Align-GVGD) all suggest that this variant is likely to be tolerated. In summary, the available evidence is currently insufficient to determine the role of this variant in disease. Therefore, it has been classified as a Variant of Uncertain Significance.

NM_001081.4(CUBN):c.7378A>G (p.Ile2460Val)

Gene: CUBN (cubilin; minus strand). Cytogenetic location: 10p13.
Variant type: single nucleotide variant.
Coding change: c.7378A>G on transcript NM_001081.4 (MANE Select); coding-DNA position 7378, A replaced by G.
Protein change: p.Ile2460Val; replaces isoleucine 2460 with valine.
Molecular consequence: missense variant.
Genome position (GRCh38, 1-based): chr10:16,913,966, T>C on the plus strand (A>G on the coding strand, the complement: CUBN is on the minus strand). VCF-style: chr10-16913966-T-C. GRCh37 (hg19) VCF-style: chr10-16955965-T-C.
Other names: short protein forms I2460V.
Identifiers: ClinVar variation 947587 (VCV000947587.10), dbSNP rs565917798, ClinGen allele CA5423382.
Genomic context (GRCh38, chr10:16,913,966, plus strand): 5'-ACTCGCAGATCCGGCCATGAGGATTTGGGTTCGGGTAGTTGGGAGAAGTAAATGTTCCAA[T>C]AGAGCCCTGAAGATCCCCACCACACTCTGACGTGGGGAAAAAGCCAAGAAAACTTTCAAT-3'
Protein context (NP_001072.2, residues 2450-2470): EECGGDLQGS[Ile2460Val]GTFTSPNYPN